The following is an entry in ClinVar:

ClinVar aggregate classification (germline): Uncertain significance. Review status: criteria provided, multiple submitters, no conflicts (2 of 4 stars). 2 submissions from 2 submitters: Uncertain significance (2). Last evaluated 2025-10-23.

Conditions:
Inborn genetic diseases. Identifiers: MedGen C0950123, MeSH D030342.
RFX3-related disorder. Also called: RFX3-related condition.

Allele frequency attached by ClinVar (database versions not stated): gnomAD 0.00001; ExAC 0.00001.
gnomAD v4.1: 1 of 1,613,882 alleles (0.000062%); highest among the groups gnomAD compares: Non-Finnish European, 0.000085%; no homozygotes.

Submissions (2):

Ambry Genetics
Classification: Uncertain significance for Inborn genetic diseases. Last evaluated: 2025-10-23. Review status: criteria provided, single submitter. Criteria: Ambry Variant Classification Scheme 2023. Collection method: clinical testing. Allele origin: germline.

PreventionGenetics, part of Exact Sciences
Classification: Uncertain significance for RFX3-related condition. Last evaluated: 2022-09-06. Review status: criteria provided, single submitter. Criteria: ACMG Guidelines, 2015. Collection method: clinical testing. Allele origin: germline.
Comment: The RFX3 c.1672A>G variant is predicted to result in the amino acid substitution p.Met558Val. To our knowledge, this variant has not been reported in the literature. This variant is reported in 0.00088% of alleles in individuals of European (Non-Finnish) descent in gnomAD. Of note, this variant is predicted to strongly active a cryptic donor site within exon 1 based on available splicing prediction programs (Alamut Visual v2.11). However, such computer prediction programs are imperfect. At this time, the clinical significance of this variant is uncertain due to the absence of conclusive functional and genetic evidence.

NM_001282116.2(RFX3):c.1672A>G (p.Met558Val)

Gene: RFX3 (regulatory factor X3; minus strand). Cytogenetic location: 9p24.2.
Variant type: single nucleotide variant.
Coding change: c.1672A>G on transcript NM_001282116.2 (MANE Select); coding-DNA position 1672, A replaced by G.
Protein change: p.Met558Val; replaces methionine 558 with valine.
Molecular consequence: missense variant.
Genome position (GRCh38, 1-based): chr9:3,257,133, T>C on the plus strand (A>G on the coding strand, the complement: RFX3 is on the minus strand). VCF-style: chr9-3257133-T-C. GRCh37 (hg19) VCF-style: chr9-3257133-T-C.
Other names: c.1672A>G, p.Met558Val (NM_001377999.1, NM_002919.4, NM_134428.3); c.1672A>G (NM_134428.1); short protein forms M558V.
Identifiers: ClinVar variation 2629212 (VCV002629212.2), dbSNP rs775040355, ClinGen allele CA4967061.